The following is an entry in ClinVar:

NM_001369.3(DNAH5):c.3346A>G (p.Ile1116Val)

Genes: DNAH5 (dynein axonemal heavy chain 5; minus strand), DNAH5-AS1 (DNAH5 antisense RNA 1; plus strand). Cytogenetic location: 5p15.2.
Variant type: single nucleotide variant.
Coding change: c.3346A>G on transcript NM_001369.3 (MANE Select); coding-DNA position 3346, A replaced by G.
Protein change: p.Ile1116Val; replaces isoleucine 1116 with valine.
Molecular consequence: missense variant.
Genome position (GRCh38, 1-based): chr5:13,876,734, T>C on the plus strand (A>G on the coding strand, the complement: DNAH5 is on the minus strand). VCF-style: chr5-13876734-T-C. GRCh37 (hg19) VCF-style: chr5-13876843-T-C.
Other names: short protein forms I1116V.
Identifiers: ClinVar variation 4869954 (VCV004869954.1).
Genomic context (GRCh38, chr5:13,876,734, plus strand): 5'-CTTGACATACCTTTTTGGTGGAGTTGATAATTGTGCTAAGCACAGAAACTAATTTTACAA[T>C]CTCTTTGTTTTCAGAAACATTCTTATAATAGTTCTTGGTTTGCACGGGAATGGGTAAATT-3'
Protein context (NP_001360.1, residues 1106-1126): YYKNVSENKE[Ile1116Val]VKLVSVLSTI

ClinVar aggregate classification (germline): Uncertain significance (1 of 4 stars; one submission).

Conditions:
Primary ciliary dyskinesia. Also called: Ciliary dyskinesia. Identifiers: Orphanet 244, MedGen C0008780, MONDO:0016575, HP:0012265.

gnomAD v4.1: 1 of 1,613,950 alleles (0.000062%); highest among the groups gnomAD compares: Admixed American, 0.0017%; no homozygotes.

Submission:

Ambry Genetics
Classification: Uncertain significance for Primary ciliary dyskinesia. Last evaluated: 2026-06-09. Review status: criteria provided, single submitter. Criteria: Ambry Variant Classification Scheme 2023. Collection method: clinical testing. Allele origin: germline.
Comment: The p.I1116V variant (also known as c.3346A>G), located in coding exon 22 of the DNAH5 gene, results from an A to G substitution at nucleotide position 3346. The isoleucine at codon 1116 is replaced by valine, an amino acid with highly similar properties. This amino acid position is conserved. In addition, this alteration is predicted to be tolerated by in silico analysis. Based on the available evidence, the clinical significance of this variant remains unclear.